The following is an entry in ClinVar:

NM_001163809.2(WDR81):c.5027C>T (p.Pro1676Leu)

Gene: WDR81 (WD repeat domain 81; plus strand). Cytogenetic location: 17p13.3.
Variant type: single nucleotide variant.
Coding change: c.5027C>T on transcript NM_001163809.2 (MANE Select); coding-DNA position 5027, C replaced by T.
Protein change: p.Pro1676Leu; replaces proline 1676 with leucine.
Molecular consequence: missense variant.
Genome position (GRCh38, 1-based): chr17:1,734,064, C>T. VCF-style: chr17-1734064-C-T. GRCh37 (hg19) VCF-style: chr17-1637358-C-T.
Other names: c.1418C>T, p.Pro473Leu (NM_001163673.2); c.1346C>T, p.Pro449Leu (NM_001163811.2); c.1874C>T, p.Pro625Leu (NM_152348.4); short protein forms P473L, P625L, P449L, P1676L.
Identifiers: ClinVar variation 1030237 (VCV001030237.2), dbSNP rs746252411, ClinGen allele CA8273735.

ClinVar aggregate classification (germline): Uncertain significance. Review status: criteria provided, single submitter (1 of 4 stars). 2 submissions from 2 submitters: Uncertain significance (1). 1 of the submissions does not count toward it. Last evaluated 2019-04-09.

Conditions:
Cerebellar ataxia, impaired intellectual development, and dysequilibrium syndrome 2. Also called: Cerebellar ataxia, intellectual disability, and dysequilibrium syndrome 2; CEREBELLAR ATAXIA, MENTAL RETARDATION, AND DYSEQUILIBRIUM SYNDROME 2; CEREBELLAR ATAXIA AND MENTAL RETARDATION WITH OR WITHOUT QUADRUPEDAL LOCOMOTION 2. Identifiers: Orphanet 1766, MedGen C2750234, MONDO:0012430, OMIM 610185.
WDR81-related disorder. Also called: WDR81-related condition.

Allele frequency attached by ClinVar (database versions not stated): gnomAD 0.00002; ExAC 0.00003; TOPMed 0.00001; gnomAD exomes 0.00002.
gnomAD v4.1: 39 of 1,607,166 alleles (0.0024%); highest among the groups gnomAD compares: East Asian, 0.0067%; no homozygotes.

Submissions (2):

Baylor Genetics
Classification: Uncertain significance for Cerebellar ataxia, impaired intellectual development, and dysequilibrium syndrome 2. Last evaluated: 2019-04-09. Review status: criteria provided, single submitter. Criteria: ACMG Guidelines, 2015. Collection method: clinical testing. Allele origin: maternal. Affected: yes.
Comment: This variant was determined to be of uncertain significance according to ACMG Guidelines, 2015 [PMID:25741868].

PreventionGenetics, part of Exact Sciences
Classification: Uncertain significance for WDR81-related condition. Last evaluated: 2024-07-19. Review status: no assertion criteria provided. Collection method: clinical testing. Allele origin: germline. Not counted in ClinVar's aggregate classification.
Comment: The WDR81 c.5027C>T variant is predicted to result in the amino acid substitution p.Pro1676Leu. To our knowledge, this variant has not been reported in the literature. This variant is reported in 0.0055% of alleles in individuals of East Asian descent in gnomAD. At this time, the clinical significance of this variant is uncertain due to the absence of conclusive functional and genetic evidence.